The following is an entry in ClinVar:

ClinVar aggregate classification (germline): Uncertain significance (1 of 4 stars; one submission).

Submission:

Ambry Genetics
Classification: Uncertain significance. Last evaluated: 2025-09-07. Review status: criteria provided, single submitter. Criteria: Ambry Variant Classification Scheme 2023. Collection method: clinical testing. Allele origin: germline.
Comment: The p.K178E variant (also known as c.532A>G), located in coding exon 1 of the CDK12 gene, results from an A to G substitution at nucleotide position 532. The lysine at codon 178 is replaced by glutamic acid, an amino acid with similar properties. This amino acid position is conserved. In addition, this alteration is predicted to be tolerated by in silico analysis. Based on the available evidence, the clinical significance of this variant remains unclear.

NM_016507.4(CDK12):c.532A>G (p.Lys178Glu)

Genes: CDK12 (cyclin dependent kinase 12; plus strand), LOC126862553 (CDK7 strongly-dependent group 2 enhancer GRCh37_chr17:37618166-37619365; plus strand). Cytogenetic location: 17q12.
Variant type: single nucleotide variant.
Coding change: c.532A>G on transcript NM_016507.4 (MANE Select); coding-DNA position 532, A replaced by G.
Protein change: p.Lys178Glu; replaces lysine 178 with glutamic acid.
Molecular consequence: missense variant.
Genome position (GRCh38, 1-based): chr17:39,462,603, A>G. VCF-style: chr17-39462603-A-G. GRCh37 (hg19) VCF-style: chr17-37618856-A-G.
Other names: c.532A>G, p.Lys178Glu (NM_015083.4); short protein forms K178E.
Identifiers: ClinVar variation 4224446 (VCV004224446.1).